The following is an entry in ClinVar:

NM_002451.4(MTAP):c.*3862C>T

Gene: MTAP (methylthioadenosine phosphorylase; plus strand). Cytogenetic location: 9p21.3.
Variant type: single nucleotide variant.
Coding change: c.*3862C>T on transcript NM_002451.4 (MANE Select); 3862 bases downstream of the stop codon, C replaced by T.
Molecular consequence: 3 prime UTR variant.
Genome position (GRCh38, 1-based): chr9:21,865,876, C>T. VCF-style: chr9-21865876-C-T. GRCh37 (hg19) VCF-style: chr9-21865875-C-T.
Identifiers: ClinVar variation 366316 (VCV000366316.5), dbSNP rs560167088, ClinGen allele CA10629808.
Genomic context (GRCh38, chr9:21,865,876, plus strand): 5'-ATGTTGCATGCATCTGTAGCTTGTGCCTTTTTTATTGCCTAGTAGTATTCTGTCATATGC[C>T]TATCTTACAATTTGATTATCTATTCACCTGTTGATGAATGTTTGAATTTTTTCCATTTGA-3'

ClinVar aggregate classification (germline): Benign (1 of 4 stars; one submission).

Conditions:
Diaphyseal medullary stenosis-bone malignancy syndrome. Also called: MYOPATHY, LIMB-GIRDLE, WITH BONE FRAGILITY; BONE DYSPLASIA WITH MALIGNANT FIBROUS HISTIOCYTOMA; BONE DYSPLASIA WITH MEDULLARY FIBROSARCOMA. Identifiers: Orphanet 85182, MedGen C1862177, MONDO:0007205, OMIM 112250.

Allele frequency attached by ClinVar (database versions not stated): 1000 Genomes Project 0.00080; 1000 Genomes Project 30x 0.00125; TOPMed 0.00331; gnomAD 0.00334 and 0.00339; gnomAD exomes 0.00552.
gnomAD v4.1: 3,932 of 776,862 alleles (0.51%); highest among the groups gnomAD compares: Non-Finnish European, 0.58%; 15 homozygotes.

Submission:

Illumina Laboratory Services, Illumina
Classification: Benign for Diaphyseal medullary stenosis-bone malignancy syndrome. Last evaluated: 2018-01-13. Review status: criteria provided, single submitter. Criteria: ICSL Variant Classification Criteria 13 December 2019. Collection method: clinical testing. Allele origin: germline.
Comment: This variant was observed in the ICSL laboratory as part of a predisposition screen in an ostensibly healthy population. It had not been previously curated by ICSL or reported in the Human Gene Mutation Database (HGMD: prior to June 1st, 2018), and was therefore a candidate for classification through an automated scoring system. Utilizing variant allele frequency, disease prevalence and penetrance estimates, and inheritance mode, an automated score was calculated to assess if this variant is too frequent to cause the disease. Based on the score and internal cut-off values, a variant classified as benign is not then subjected to further curation. The score for this variant resulted in a classification of benign for this disease.